The following is an entry in ClinVar:

ClinVar aggregate classification (germline): Uncertain significance (1 of 4 stars; one submission).

Submission:

Labcorp Genetics (formerly Invitae), Labcorp
Classification: Uncertain significance. Last evaluated: 2022-06-10. Review status: criteria provided, single submitter. Criteria: Invitae Variant Classification Sherloc (09022015). Collection method: clinical testing. Allele origin: germline.
Comment: In summary, the available evidence is currently insufficient to determine the role of this variant in disease. Therefore, it has been classified as a Variant of Uncertain Significance. Algorithms developed to predict the effect of missense changes on protein structure and function output the following: SIFT: "Tolerated"; PolyPhen-2: "Benign"; Align-GVGD: "Class C0". The asparagine amino acid residue is found in multiple mammalian species, which suggests that this missense change does not adversely affect protein function. This variant has not been reported in the literature in individuals affected with MYO5B-related conditions. This variant is not present in population databases (gnomAD no frequency). This sequence change replaces aspartic acid, which is acidic and polar, with asparagine, which is neutral and polar, at codon 590 of the MYO5B protein (p.Asp590Asn).

NM_001080467.3(MYO5B):c.1768G>A (p.Asp590Asn)

Gene: MYO5B (myosin VB; minus strand). Cytogenetic location: 18q21.1.
Variant type: single nucleotide variant.
Coding change: c.1768G>A on transcript NM_001080467.3 (MANE Select); coding-DNA position 1768, G replaced by A.
Protein change: p.Asp590Asn; replaces aspartic acid 590 with asparagine.
Molecular consequence: missense variant.
Genome position (GRCh38, 1-based): chr18:49,937,382, C>T on the plus strand (G>A on the coding strand, the complement: MYO5B is on the minus strand). VCF-style: chr18-49937382-C-T. GRCh37 (hg19) VCF-style: chr18-47463752-C-T.
Other names: short protein forms D590N.
Identifiers: ClinVar variation 2000656 (VCV002000656.4), dbSNP rs780735273, ClinGen allele CA402446068.